The following is an entry in ClinVar:

NM_182961.4(SYNE1):c.1730T>C (p.Val577Ala)

Gene: SYNE1 (spectrin repeat containing nuclear envelope protein 1; minus strand). Cytogenetic location: 6q25.2.
Variant type: single nucleotide variant.
Coding change: c.1730T>C on transcript NM_182961.4 (MANE Select); coding-DNA position 1730, T replaced by C.
Protein change: p.Val577Ala; replaces valine 577 with alanine.
Molecular consequence: missense variant.
Genome position (GRCh38, 1-based): chr6:152,465,460, A>G on the plus strand (T>C on the coding strand, the complement: SYNE1 is on the minus strand). VCF-style: chr6-152465460-A-G. GRCh37 (hg19) VCF-style: chr6-152786595-A-G.
Other names: c.1751T>C, p.Val584Ala (NM_033071.5); short protein forms V577A, V584A.
Identifiers: ClinVar variation 4791868 (VCV004791868.1).

ClinVar aggregate classification (germline): Uncertain significance (1 of 4 stars; one submission).

Conditions:
Emery-Dreifuss muscular dystrophy 4, autosomal dominant (EDMD4). Also called: EMERY-DREIFUSS MUSCULAR DYSTROPHY 4 WITH VARIABLE FEATURES. Identifiers: Orphanet 261, MedGen C2751807, MONDO:0013071, OMIM 612998.
Autosomal recessive ataxia, Beauce type. Also called: Spinocerebellar ataxia, autosomal recessive 8; ATAXIA, RECESSIVE, OF BEAUCE; SYNE1 Deficiency; SYNE1-Related Autosomal Recessive Cerebellar Ataxia. Identifiers: Orphanet 88644, MedGen C1853116, MONDO:0012549, OMIM 610743.

Submission:

Labcorp Genetics (formerly Invitae), Labcorp
Classification: Uncertain significance for Emery-Dreifuss muscular dystrophy 4, autosomal dominant; Autosomal recessive ataxia, Beauce type. Last evaluated: 2025-12-25. Review status: criteria provided, single submitter. Criteria: Invitae Variant Classification Sherloc (09022015). Collection method: clinical testing. Allele origin: germline.
Comment: This sequence change replaces valine, which is neutral and non-polar, with alanine, which is neutral and non-polar, at codon 584 of the SYNE1 protein (p.Val584Ala). This variant is not present in population databases (gnomAD no frequency). This variant has not been reported in the literature in individuals affected with SYNE1-related conditions. An algorithm developed to predict the effect of missense changes on protein structure and function (PolyPhen-2) suggests that this variant is likely to be tolerated. In summary, the available evidence is currently insufficient to determine the role of this variant in disease. Therefore, it has been classified as a Variant of Uncertain Significance.